The following is an entry in ClinVar:

NM_000059.4(BRCA2):c.6212G>T (p.Ser2071Ile)

Gene: BRCA2 (BRCA2 DNA repair associated; plus strand). Cytogenetic location: 13q13.1.
Variant type: single nucleotide variant.
Coding change: c.6212G>T on transcript NM_000059.4 (MANE Select); coding-DNA position 6212, G replaced by T.
Protein change: p.Ser2071Ile; replaces serine 2071 with isoleucine.
Molecular consequence: missense variant.
Genome position (GRCh38, 1-based): chr13:32,340,567, G>T. VCF-style: chr13-32340567-G-T. GRCh37 (hg19) VCF-style: chr13-32914704-G-T.
Other names: short protein forms S2071I.
Identifiers: ClinVar variation 52034 (VCV000052034.16), dbSNP rs80358861, ClinGen allele CA023756.

ClinVar aggregate classification (germline): Conflicting classifications of pathogenicity. Review status: criteria provided, conflicting classifications (1 of 4 stars). 4 submissions from 4 submitters: Uncertain significance (2); Likely benign (1). 1 of the submissions does not count toward it. Last evaluated 2026-01-07.

Conditions:
Hereditary cancer-predisposing syndrome. Also called: Neoplastic Syndromes, Hereditary; Tumor predisposition; Hereditary neoplastic syndrome; Hereditary Cancer Syndrome. Identifiers: Orphanet 140162, MedGen C0027672, MeSH D009386, MONDO:0015356.
Hereditary breast ovarian cancer syndrome. Also called: Hereditary breast and ovarian cancer syndrome; Hereditary breast and ovarian cancer; Hereditary breast and ovarian cancer syndrome (HBOC); Breast and ovarian cancer; Hereditary breast and/or ovarian cancer syndrome; BRCA1- and BRCA2-Associated Hereditary Breast and Ovarian Cancer. Identifiers: Orphanet 145, MedGen C0677776, MeSH D061325, MONDO:0003582. Disease mechanism: loss of function.
Breast-ovarian cancer, familial, susceptibility to, 2 (BROVCA2). Also called: BRCA2 Hereditary Breast and Ovarian Cancer. Identifiers: Orphanet 145, MedGen C2675520, MONDO:0012933, OMIM 612555. Disease mechanism: loss of function.

gnomAD v4.1: 1 of 1,612,374 alleles (0.000062%); highest among the groups gnomAD compares: Non-Finnish European, 0.000085%; no homozygotes.

Submissions (4):

Labcorp Genetics (formerly Invitae), Labcorp
Classification: Uncertain significance for Hereditary breast ovarian cancer syndrome. Last evaluated: 2026-01-07. Review status: criteria provided, single submitter. Criteria: Invitae Variant Classification Sherloc (09022015). Collection method: clinical testing. Allele origin: germline.
Comment: This sequence change replaces serine, which is neutral and polar, with isoleucine, which is neutral and non-polar, at codon 2071 of the BRCA2 protein (p.Ser2071Ile). This variant is not present in population databases (gnomAD no frequency). This missense change has been observed in individual(s) with clinical features of BRCA2-related conditions (PMID: 10923033). ClinVar contains an entry for this variant (Variation ID: 52034). Invitae Evidence Modeling of protein sequence and biophysical properties (such as structural, functional, and spatial information, amino acid conservation, physicochemical variation, residue mobility, and thermodynamic stability) indicates that this missense variant is not expected to disrupt BRCA2 protein function with a negative predictive value of 95%. In summary, the available evidence is currently insufficient to determine the role of this variant in disease. Therefore, it has been classified as a Variant of Uncertain Significance.

University of Washington Department of Laboratory Medicine, University of Washington
Classification: Likely benign for Hereditary cancer-predisposing syndrome. Last evaluated: 2023-03-23. Review status: criteria provided, single submitter. Criteria: Dines et al. (Genet Med. 2020). Collection method: curation. Allele origin: germline.
Comment: Missense variant in a coldspot region where missense variants are very unlikely to be pathogenic (PMID:31911673).

BRCA2 exon 11 coldspot. Reclassification based on statistical prior probability.

Ambry Genetics
Classification: Uncertain significance for Hereditary cancer-predisposing syndrome. Last evaluated: 2015-09-10. Review status: criteria provided, single submitter. Criteria: Ambry Variant Classification Scheme 2023. Collection method: clinical testing. Allele origin: germline.
Comment: The p.S2071I variant (also known as c.6212G>T), located in coding exon 10 of the BRCA2 gene, results from a G to T substitution at nucleotide position 6212. The serine at codon 2071 is replaced by isoleucine, an amino acid with dissimilar properties. This variant was previously reported in the SNPDatabase as rs80358861. This variant was not reported in population-based cohorts in the following databases: NHLBI Exome Sequencing Project (ESP) and 1000 Genomes Project. To date, this alteration has been detected with an allele frequency of approximately 0.001% (greater than 150000 alleles tested) in our clinical cohort. This amino acid position is not well conserved in available vertebrate species. In addition, the in silico prediction for this alteration is inconclusive. Since supporting evidence is limited at this time, the clinical significance of p.S2071I remains unclear.

Breast Cancer Information Core (BIC) (BRCA2)
Classification: Uncertain significance for Breast-ovarian cancer, familial 2. Last evaluated: 1997-11-13. Review status: no assertion criteria provided. Collection method: clinical testing. Allele origin: germline. Affected: yes. Observed: 1 variant allele. Not counted in ClinVar's aggregate classification.

Literature cited by the submitters: PubMed 10923033 (cited by Labcorp Genetics (formerly Invitae), Labcorp).